The following is an entry in ClinVar:

NM_000051.4(ATM):c.7016G>A (p.Arg2339Lys)

Genes: C11orf65 (chromosome 11 open reading frame 65; minus strand), ATM (ATM serine/threonine kinase; plus strand). Cytogenetic location: 11q22.3.
Variant type: single nucleotide variant.
Coding change: c.7016G>A on transcript NM_000051.4 (MANE Select); coding-DNA position 7016, G replaced by A.
Protein change: p.Arg2339Lys; replaces arginine 2339 with lysine.
Molecular consequence: missense variant. On other transcripts: intron variant (2).
Genome position (GRCh38, 1-based): chr11:108,327,685, G>A. VCF-style: chr11-108327685-G-A. GRCh37 (hg19) VCF-style: chr11-108198412-G-A.
Other names: c.7016G>A, p.Arg2339Lys (NM_001351834.2); c.641-18614C>T (NM_001330368.2); c.*38+7535C>T (NM_001351110.2); short protein forms R2339K.
Identifiers: ClinVar variation 453655 (VCV000453655.32), dbSNP rs1305313302, ClinGen allele CA382558737.

ClinVar aggregate classification (germline): Uncertain significance. Review status: criteria provided, multiple submitters, no conflicts (2 of 4 stars). 7 submissions from 7 submitters: Uncertain significance (6). 1 of the submissions does not count toward it. Last evaluated 2026-03-11.

Conditions:
ATM-related disorder. Also called: ATM-related disorders; ATM-related condition.
Hereditary cancer-predisposing syndrome. Also called: Neoplastic Syndromes, Hereditary; Hereditary Cancer Syndrome; Tumor predisposition; Hereditary neoplastic syndrome. Identifiers: Orphanet 140162, MedGen C0027672, MeSH D009386, MONDO:0015356.
Familial cancer of breast. Also called: Hereditary breast cancer; BREAST CANCER, FAMILIAL; hereditary breast carcinoma. Identifiers: Orphanet 227535, MedGen C0346153, MONDO:0016419, OMIM 114480. Disease mechanism: loss of function.
Ataxia-telangiectasia syndrome (AT). Also called: LOUIS-BAR SYNDROME; Cerebello-oculocutaneous telangiectasia; Immunodeficiency with ataxia telangiectasia; Ataxia-telangiectasia, complementation group D; AT, COMPLEMENTATION GROUP C; Ataxia-telangiectasia, complementation group E. Identifiers: Orphanet 100, MedGen C0004135, MONDO:0008840, OMIM 208900.

Allele frequency attached by ClinVar (database versions not stated): gnomAD 0.00001; TOPMed 0.00002.
gnomAD v4.1: 3 of 1,613,886 alleles (0.00019%); highest among the groups gnomAD compares: African/African-American, 0.0027%; no homozygotes.

Submissions (7):

PreventionGenetics, part of Exact Sciences
Classification: Uncertain significance for ATM-related condition. Last evaluated: 2026-03-11. Review status: criteria provided, single submitter. Criteria: ACMG Guidelines, 2015. Collection method: clinical testing. Allele origin: germline.
Comment: The ATM c.7016G>A variant is predicted to result in the amino acid substitution p.Arg2339Lys. This variant has been reported in two cohort studies about genetic testing among men with prostate cancer (Table S2, Matejcic et al. 2020. PubMed ID: 32832836; Giri et al. 2022. PubMed ID: 35666082). This variant is reported in 0.011% of alleles in individuals of African descent in gnomAD. At this time, the clinical significance of this variant is uncertain due to the absence of conclusive functional and genetic evidence.

Labcorp Genetics (formerly Invitae), Labcorp
Classification: Uncertain significance for Ataxia-telangiectasia syndrome. Last evaluated: 2025-12-16. Review status: criteria provided, single submitter. Criteria: Invitae Variant Classification Sherloc (09022015). Collection method: clinical testing. Allele origin: germline.
Comment: This sequence change replaces arginine, which is basic and polar, with lysine, which is basic and polar, at codon 2339 of the ATM protein (p.Arg2339Lys). This variant is present in population databases (no rsID available, gnomAD 0.01%). This missense change has been observed in individual(s) with prostate cancer (PMID: 35666082). ClinVar contains an entry for this variant (Variation ID: 453655). Invitae Evidence Modeling of protein sequence and biophysical properties (such as structural, functional, and spatial information, amino acid conservation, physicochemical variation, residue mobility, and thermodynamic stability) indicates that this missense variant is not expected to disrupt ATM protein function with a negative predictive value of 95%. In summary, the available evidence is currently insufficient to determine the role of this variant in disease. Therefore, it has been classified as a Variant of Uncertain Significance.

Ambry Genetics
Classification: Uncertain significance for Hereditary cancer-predisposing syndrome. Last evaluated: 2025-07-10. Review status: criteria provided, single submitter. Criteria: Ambry Variant Classification Scheme 2023. Collection method: clinical testing. Allele origin: germline.
Comment: The p.R2339K variant (also known as c.7016G>A), located in coding exon 47 of the ATM gene, results from a G to A substitution at nucleotide position 7016. The arginine at codon 2339 is replaced by lysine, an amino acid with highly similar properties. This variant was identified in a cohort of 3,579 African males diagnosed with prostate cancer who underwent multi-gene panel testing of 19 DNA repair and cancer predisposition genes (Matejcic M et al. JCO Precis Oncol, 2020 Jan;4:32-43). This amino acid position is highly conserved in available vertebrate species. In addition, the in silico prediction for this alteration is inconclusive. Based on the available evidence, the clinical significance of this variant remains unclear.

Fulgent Genetics
Classification: Uncertain significance for Familial cancer of breast; Ataxia-telangiectasia syndrome. Last evaluated: 2024-04-22. Review status: criteria provided, single submitter. Criteria: ACMG Guidelines, 2015. Collection method: clinical testing. Allele origin: germline.

Baylor Genetics
Classification: Uncertain significance for Familial cancer of breast. Last evaluated: 2024-03-05. Review status: criteria provided, single submitter. Criteria: ACMG Guidelines, 2015. Collection method: clinical testing. Allele origin: unknown.

Women's Health and Genetics/Laboratory Corporation of America, LabCorp
Classification: Uncertain significance. Last evaluated: 2023-08-28. Review status: criteria provided, single submitter. Criteria: LabCorp Variant Classification Summary - May 2015. Collection method: clinical testing. Allele origin: germline.
Comment: Variant summary: ATM c.7016G>A (p.Arg2339Lys) results in a conservative amino acid change located in the PIK-related kinase (IPR014009) of the encoded protein sequence. Three of five in-silico tools predict a benign effect of the variant on protein function. The variant was absent in 251072 control chromosomes. The available data on variant occurrences in the general population are insufficient to allow any conclusion about variant significance. c.7016G>A has been reported in the literature as a VUS in settings of multigene panel testing among men with prostate cancer (example, Giri_2022). These report(s) do not provide unequivocal conclusions about association of the variant with Ataxia-Telangiectasia and/or AT-related cancers. To our knowledge, no experimental evidence demonstrating an impact on protein function has been reported. The following publication have been ascertained in the context of this evaluation (PMID: 35666082). Four submitters have cited clinical-significance assessments for this variant to ClinVar after 2014. All submitters classified the variant as uncertain significance. Based on the evidence outlined above, the variant was classified as uncertain significance.

Natera, Inc.
Classification: Uncertain significance for Ataxia-telangiectasia. Last evaluated: 2021-03-22. Review status: no assertion criteria provided. Collection method: clinical testing. Allele origin: germline. Not counted in ClinVar's aggregate classification.

Literature cited by the submitters: PubMed 35666082 (cited by Labcorp Genetics (formerly Invitae), Labcorp and Women's Health and Genetics/Laboratory Corporation of America, LabCorp); PubMed 32832836 (cited by Ambry Genetics).